The following is an entry in ClinVar:

NM_000238.4(KCNH2):c.1128+1775A>G

Gene: KCNH2 (potassium voltage-gated channel subfamily H member 2; minus strand). Cytogenetic location: 7q36.1.
Variant type: single nucleotide variant.
Coding change: c.1128+1775A>G on transcript NM_000238.4 (MANE Select); 1775 bases into the intron after coding-DNA position 1128, A replaced by G.
Molecular consequence: intron variant. On other transcripts: 5 prime UTR variant (2), non-coding transcript variant (1).
Genome position (GRCh38, 1-based): chr7:150,955,516, T>C on the plus strand (A>G on the coding strand, the complement: KCNH2 is on the minus strand). VCF-style: chr7-150955516-T-C. GRCh37 (hg19) VCF-style: chr7-150652604-T-C.
Other names: c.-13A>G (NM_001204798.2, NM_172057.3); c.840+1775A>G (NM_001406753.1, NM_001406756.1); c.1128+1775A>G (NM_172056.3); c.951+1775A>G (NM_001406755.1); c.828+1775A>G (NM_001406757.1).
Identifiers: ClinVar variation 389157 (VCV000389157.3), dbSNP rs1057523343, ClinGen allele CA16605081.

ClinVar aggregate classification (germline): Likely benign (1 of 4 stars; one submission).

Allele frequency attached by ClinVar (database versions not stated): gnomAD exomes below 0.00001; TOPMed 0.00001.
gnomAD v4.1: 6 of 1,539,862 alleles (0.00039%); highest among the groups gnomAD compares: Non-Finnish European, 0.00053%; no homozygotes.

Submission:

GeneDx
Classification: Likely benign. Last evaluated: 2016-09-07. Review status: criteria provided, single submitter. Criteria: GeneDx Variant Classification (06012015). Collection method: clinical testing. Allele origin: germline. Affected: yes.
Comment: This variant is considered likely benign or benign based on one or more of the following criteria: it is a conservative change, it occurs at a poorly conserved position in the protein, it is predicted to be benign by multiple in silico algorithms, and/or has population frequency not consistent with disease.